The following is an entry in ClinVar:

NM_014236.4(GNPAT):c.253A>G (p.Ile85Val)

Gene: GNPAT (glyceronephosphate O-acyltransferase; plus strand). Cytogenetic location: 1q42.2.
Variant type: single nucleotide variant.
Coding change: c.253A>G on transcript NM_014236.4 (MANE Select); coding-DNA position 253, A replaced by G.
Protein change: p.Ile85Val; replaces isoleucine 85 with valine.
Molecular consequence: missense variant. On other transcripts: intron variant (1).
Genome position (GRCh38, 1-based): chr1:231,251,135, A>G. VCF-style: chr1-231251135-A-G. GRCh37 (hg19) VCF-style: chr1-231386881-A-G.
Other names: c.79-9372A>G (NM_001316350.2); short protein forms I85V.
Identifiers: ClinVar variation 1413858 (VCV001413858.6), dbSNP rs757383514, ClinGen allele CA345230290.

ClinVar aggregate classification (germline): Uncertain significance (1 of 4 stars; one submission).

gnomAD v4.1: 6 of 1,565,264 alleles (0.00038%); highest among the groups gnomAD compares: African/African-American, 0.0041%; no homozygotes.

Submission:

Labcorp Genetics (formerly Invitae), Labcorp
Classification: Uncertain significance. Last evaluated: 2022-06-04. Review status: criteria provided, single submitter. Criteria: Invitae Variant Classification Sherloc (09022015). Collection method: clinical testing. Allele origin: germline.
Comment: In summary, the available evidence is currently insufficient to determine the role of this variant in disease. Therefore, it has been classified as a Variant of Uncertain Significance. Algorithms developed to predict the effect of missense changes on protein structure and function (SIFT, PolyPhen-2, Align-GVGD) all suggest that this variant is likely to be tolerated. ClinVar contains an entry for this variant (Variation ID: 1413858). This variant has not been reported in the literature in individuals affected with GNPAT-related conditions. This variant is present in population databases (no rsID available, gnomAD 0.006%). This sequence change replaces isoleucine, which is neutral and non-polar, with valine, which is neutral and non-polar, at codon 85 of the GNPAT protein (p.Ile85Val).